The following is an entry in ClinVar:

NM_138576.4(BCL11B):c.1887_1893dup (p.Asp632fs)

Gene: BCL11B (BCL11 transcription factor B; minus strand). Cytogenetic location: 14q32.2.
Variant type: Microsatellite.
Coding change: c.1887_1893dup on transcript NM_138576.4 (MANE Select); coding-DNA positions 1887 to 1893, 7 bases duplicated (CGGCGGG; older notation c.1887_1893dupCGGCGGG).
Protein change: p.Asp632fs; shifts the reading frame from aspartic acid 632.
Molecular consequence: frameshift variant.
Genome position (GRCh38, 1-based): chr14:99,174,943-99,174,949, CCCGCCG duplicated on the plus strand (CGGCGGG on the coding strand, the reverse complement: BCL11B is on the minus strand); duplicating any 7 consecutive bases within chr14:99,174,943-99,174,957 gives the same sequence; the c. name uses the placement nearest the transcript's 3' end. VCF-style (leftmost placement, unchanged base first): chr14-99174942-C-CCCCGCCG. GRCh37 (hg19) VCF-style: chr14-99641279-C-CCCCGCCG.
Other names: c.1884_1890dup, p.Asp631fs (NM_001282237.2); c.1671_1677dup, p.Asp560fs (NM_001282238.2); c.1674_1680dup, p.Asp561fs (NM_022898.3); short protein forms D560fs, D561fs, D631fs, D632fs.
Identifiers: ClinVar variation 4293846 (VCV004293846.1).

ClinVar aggregate classification (germline): Likely pathogenic (1 of 4 stars; one submission).

Conditions:
Intellectual developmental disorder with speech delay, dysmorphic facies, and t-cell abnormalities. Also called: BCL11B-related BAFopathy. Identifiers: Orphanet 662829, MedGen C4748152, MONDO:0060763, OMIM 618092.

Submission:

3billion
Classification: Likely pathogenic for Intellectual developmental disorder with speech delay, dysmorphic facies, and t-cell abnormalities. Last evaluated: 2025-02-11. Review status: criteria provided, single submitter. Criteria: ACMG Guidelines, 2015. Collection method: clinical testing. Allele origin: germline. Affected: yes.
Comment: The variant is not observed in the gnomAD v4.1.0 dataset. Predicted Consequence/Location: Frameshift: predicted to result in a loss or disruption of normal protein function through protein truncation. The predicted truncated protein may be shortened by more than 10%. Therefore, this variant is classified as Likely pathogenic according to the recommendation of ACMG/AMP guideline.